The following is an entry in ClinVar:

ClinVar aggregate classification (germline): Conflicting classifications of pathogenicity. Review status: criteria provided, conflicting classifications (1 of 4 stars). 2 submissions from 2 submitters: Uncertain significance (1); Likely benign (1). Last evaluated 2025-12-16.

Conditions:
Fanconi anemia (FA). Also called: Fanconi's anemia. Identifiers: Orphanet 84, MedGen C0015625, MeSH D005199, MONDO:0019391.

Allele frequency attached by ClinVar (database versions not stated): gnomAD exomes below 0.00001; ExAC 0.00001; TOPMed 0.00002; gnomAD 0.00004; ESP Exome Variant Server 0.00015; 1000 Genomes Project 30x 0.00016; 1000 Genomes Project 0.00020.
gnomAD v4.1: 7 of 1,612,778 alleles (0.00043%); highest among the groups gnomAD compares: African/African-American, 0.0093%; no homozygotes.

Submissions (2):

Labcorp Genetics (formerly Invitae), Labcorp
Classification: Likely benign for Fanconi anemia. Last evaluated: 2025-12-16. Review status: criteria provided, single submitter. Criteria: Invitae Variant Classification Sherloc (09022015). Collection method: clinical testing. Allele origin: germline.

Genetic Services Laboratory, University of Chicago
Classification: Uncertain significance. Last evaluated: 2020-08-27. Review status: criteria provided, single submitter. Criteria: ACMG Guidelines, 2015. Collection method: clinical testing. Allele origin: germline. Affected: no.
Comment: DNA sequence analysis of the FANCA gene demonstrated two sequence changes. The first change is in intron 38, c.3828+10A>G. This change does not appear to have been previously described in patients with FANCA-related disorders. It has been described in the gnomAD database with a low population frequency of 0.0004% (dbSNP rs368372404). This sequence change is not clearly predicted to have a deleterious effect on splicing based on in silico splice prediction programs. It is possible that this sequence change represents a benign sequence change in the FANCA gene that has not been identified to date. The functional significance of this sequence change is not known at present and its contribution to this patient's disease phenotype cannot definitively be determined.

NM_000135.4(FANCA):c.3828+10A>G

Genes: FANCA (FA complementation group A; minus strand), ZNF276 (zinc finger protein 276; plus strand), LOC132090445 (Neanderthal introgressed variant-containing enhancer experimental_46704; plus strand). Cytogenetic location: 16q24.3.
Variant type: single nucleotide variant.
Coding change: c.3828+10A>G on transcript NM_000135.4 (MANE Select); 10 bases into the intron after coding-DNA position 3828, A replaced by G.
Molecular consequence: intron variant. On other transcripts: 3 prime UTR variant (2), non-coding transcript variant (4).
Genome position (GRCh38, 1-based): chr16:89,740,794, T>C on the plus strand (A>G on the coding strand, the complement: FANCA is on the minus strand). VCF-style: chr16-89740794-T-C. GRCh37 (hg19) VCF-style: chr16-89807202-T-C.
Other names: c.*2548T>C (NM_001113525.2, NM_152287.4); c.3828+10A>G (NM_001286167.3).
Identifiers: ClinVar variation 1151053 (VCV001151053.12), dbSNP rs368372404, ClinGen allele CA8250951.